The following is an entry in ClinVar:

NM_004525.3(LRP2):c.1243C>T (p.Arg415Trp)

Gene: LRP2 (LDL receptor related protein 2; minus strand). Cytogenetic location: 2q31.1.
Variant type: single nucleotide variant.
Coding change: c.1243C>T on transcript NM_004525.3 (MANE Select); coding-DNA position 1243, C replaced by T.
Protein change: p.Arg415Trp; replaces arginine 415 with tryptophan.
Molecular consequence: missense variant.
Genome position (GRCh38, 1-based): chr2:169,280,448, G>A on the plus strand (C>T on the coding strand, the complement: LRP2 is on the minus strand). VCF-style: chr2-169280448-G-A. GRCh37 (hg19) VCF-style: chr2-170136958-G-A.
Other names: short protein forms R415W.
Identifiers: ClinVar variation 1415136 (VCV001415136.5), dbSNP rs765653991, ClinGen allele CA1955614.

ClinVar aggregate classification (germline): Uncertain significance. Review status: criteria provided, multiple submitters, no conflicts (2 of 4 stars). 3 submissions from 3 submitters: Uncertain significance (3). Last evaluated 2024-03-17.

Conditions:
Donnai-Barrow syndrome. Also called: DBS/FOAR SYNDROME; FACIOOCULOACOUSTICORENAL SYNDROME. Identifiers: Orphanet 2143, MedGen C1857277, MONDO:0009104, OMIM 222448.

Allele frequency attached by ClinVar (database versions not stated): ExAC 0.00001; gnomAD exomes 0.00001 and 0.00004; TOPMed 0.00003; gnomAD 0.00005 and 0.00006.

Submissions (3):

Fulgent Genetics
Classification: Uncertain significance for Donnai-Barrow syndrome. Last evaluated: 2024-03-17. Review status: criteria provided, single submitter. Criteria: ACMG Guidelines, 2015. Collection method: clinical testing. Allele origin: germline.

Blueprint Genetics
Classification: Uncertain significance. Last evaluated: 2023-12-05. Review status: criteria provided, single submitter. Criteria: ACMG Guidelines, 2015. Collection method: clinical testing. Allele origin: germline.

Labcorp Genetics (formerly Invitae), Labcorp
Classification: Uncertain significance. Last evaluated: 2022-10-24. Review status: criteria provided, single submitter. Criteria: Invitae Variant Classification Sherloc (09022015). Collection method: clinical testing. Allele origin: germline.
Comment: This sequence change replaces arginine, which is basic and polar, with tryptophan, which is neutral and slightly polar, at codon 415 of the LRP2 protein (p.Arg415Trp). This variant is present in population databases (rs765653991, gnomAD 0.01%). This variant has not been reported in the literature in individuals affected with LRP2-related conditions. ClinVar contains an entry for this variant (Variation ID: 1415136). Advanced modeling of protein sequence and biophysical properties (such as structural, functional, and spatial information, amino acid conservation, physicochemical variation, residue mobility, and thermodynamic stability) performed at Invitae indicates that this missense variant is not expected to disrupt LRP2 protein function. In summary, the available evidence is currently insufficient to determine the role of this variant in disease. Therefore, it has been classified as a Variant of Uncertain Significance.